The following is an entry in ClinVar:

ClinVar aggregate classification (germline): Uncertain significance (1 of 4 stars; one submission).

Conditions:
Intellectual developmental disorder 61. Also called: MENTAL RETARDATION, AUTOSOMAL DOMINANT 61; INTELLECTUAL DEVELOPMENTAL DISORDER, AUTOSOMAL DOMINANT 61. Identifiers: MedGen C5231400, MONDO:0032485, OMIM 618009.

gnomAD v4.1: 3 of 1,611,504 alleles (0.00019%); highest among the groups gnomAD compares: South Asian, 0.0022%; no homozygotes.

Submission:

Department of Human Genetics, Hannover Medical School
Classification: Uncertain significance for Intellectual developmental disorder 61. Last evaluated: 2024-11-15. Review status: criteria provided, single submitter. Criteria: ACMG Guidelines, 2015. Collection method: clinical testing. Allele origin: germline. Affected: yes.
Comment: ACMG: PP2

NM_005121.3(MED13):c.2233A>G (p.Met745Val)

Gene: MED13 (mediator complex subunit 13; minus strand). Cytogenetic location: 17q23.2.
Variant type: single nucleotide variant.
Coding change: c.2233A>G on transcript NM_005121.3 (MANE Select); coding-DNA position 2233, A replaced by G.
Protein change: p.Met745Val; replaces methionine 745 with valine.
Molecular consequence: missense variant.
Genome position (GRCh38, 1-based): chr17:61,992,570, T>C on the plus strand (A>G on the coding strand, the complement: MED13 is on the minus strand). VCF-style: chr17-61992570-T-C. GRCh37 (hg19) VCF-style: chr17-60069931-T-C.
Other names: short protein forms M745V.
Identifiers: ClinVar variation 3376521 (VCV003376521.1).
Genomic context (GRCh38, chr17:61,992,570, plus strand): 5'-AATATTTTCATTAGGAAATAAAGATTTTACCTTGCTTGATAGAGGGACTAAATAATGACA[T>C]AGCATCTTCTTCATGTGATAACACTGTTACACTAGATGTCCCATCTTCTACCTGCAAACA-3'
Protein context (NP_005112.2, residues 735-755): VTVLSHEEDA[Met745Val]SLFSPSIKQD